The following is an entry in ClinVar:

ClinVar aggregate classification (germline): Benign. Review status: criteria provided, multiple submitters, no conflicts (2 of 4 stars). 3 submissions from 3 submitters: Benign (2). 1 of the submissions does not count toward it. Last evaluated 2025-10-24.

Conditions:
ARCN1-related disorder. Also called: ARCN1-related condition.

Allele frequency attached by ClinVar (database versions not stated): ESP Exome Variant Server 0.00015; gnomAD 0.00056 and 0.00090; TOPMed 0.00065; gnomAD exomes 0.00088 and 0.00204; ExAC 0.00216; 1000 Genomes Project 30x 0.00453; 1000 Genomes Project 0.00479.
gnomAD v4.1: 1,471 of 1,612,336 alleles (0.091%); highest among the groups gnomAD compares: East Asian, 1.2%; 13 homozygotes.

Submissions (3):

Labcorp Genetics (formerly Invitae), Labcorp
Classification: Benign. Last evaluated: 2025-10-24. Review status: criteria provided, single submitter. Criteria: Invitae Variant Classification Sherloc (09022015). Collection method: clinical testing. Allele origin: germline.

CeGaT Center for Human Genetics Tuebingen
Classification: Benign. Last evaluated: 2025-03-01. Review status: criteria provided, single submitter. Criteria: CeGaT Center For Human Genetics Tuebingen Variant Classification Criteria Version 2. Collection method: clinical testing. Allele origin: germline. Affected: yes. Observed: 1 variant allele.
Comment: ARCN1: BP4, BP7, BS1, BS2

PreventionGenetics, part of Exact Sciences
Classification: Benign for ARCN1-related condition. Last evaluated: 2024-08-13. Review status: no assertion criteria provided. Collection method: clinical testing. Allele origin: germline. Not counted in ClinVar's aggregate classification.
Comment: This variant is classified as benign based on ACMG/AMP sequence variant interpretation guidelines (Richards et al. 2015 PMID: 25741868, with internal and published modifications).

NM_001655.5(ARCN1):c.1467A>G (p.Val489=)

Gene: ARCN1 (archain 1 coat protein complex I subunit delta; plus strand). Cytogenetic location: 11q23.3.
Variant type: single nucleotide variant.
Coding change: c.1467A>G on transcript NM_001655.5 (MANE Select); coding-DNA position 1467, A replaced by G.
Protein change: p.Val489=; no amino-acid change (valine 489 retained).
Molecular consequence: synonymous variant.
Genome position (GRCh38, 1-based): chr11:118,600,645, A>G. VCF-style: chr11-118600645-A-G. GRCh37 (hg19) VCF-style: chr11-118471360-A-G.
Other names: c.1203A>G, p.Val401= (NM_001142281.2).
Identifiers: ClinVar variation 718667 (VCV000718667.19), dbSNP rs144108474, ClinGen allele CA6306314.